The following is an entry in ClinVar:

ClinVar aggregate classification (germline): Uncertain significance (1 of 4 stars; one submission).

Submission:

Labcorp Genetics (formerly Invitae), Labcorp
Classification: Uncertain significance. Last evaluated: 2024-08-27. Review status: criteria provided, single submitter. Criteria: Invitae Variant Classification Sherloc (09022015). Collection method: clinical testing. Allele origin: germline.
Comment: This sequence change replaces serine, which is neutral and polar, with threonine, which is neutral and polar, at codon 114 of the NAF1 protein (p.Ser114Thr). This variant is not present in population databases (gnomAD no frequency). This variant has not been reported in the literature in individuals affected with NAF1-related conditions. An algorithm developed to predict the effect of missense changes on protein structure and function (PolyPhen-2) suggests that this variant is likely to be disruptive. In summary, the available evidence is currently insufficient to determine the role of this variant in disease. Therefore, it has been classified as a Variant of Uncertain Significance.

NM_138386.3(NAF1):c.340T>A (p.Ser114Thr)

Gene: NAF1 (nuclear assembly factor 1 ribonucleoprotein; minus strand). Cytogenetic location: 4q32.2.
Variant type: single nucleotide variant.
Coding change: c.340T>A on transcript NM_138386.3 (MANE Select); coding-DNA position 340, T replaced by A.
Protein change: p.Ser114Thr; replaces serine 114 with threonine.
Molecular consequence: missense variant.
Genome position (GRCh38, 1-based): chr4:163,166,388, A>T on the plus strand (T>A on the coding strand, the complement: NAF1 is on the minus strand). VCF-style: chr4-163166388-A-T. GRCh37 (hg19) VCF-style: chr4-164087540-A-T.
Other names: c.340T>A, p.Ser114Thr (NM_001128931.2); short protein forms S114T.
Identifiers: ClinVar variation 3670158 (VCV003670158.2).